The following is an entry in ClinVar:

NM_002635.4(SLC25A3):c.-5+20C>T

Gene: SLC25A3 (solute carrier family 25 member 3; plus strand). Cytogenetic location: 12q23.1.
Variant type: single nucleotide variant.
Coding change: c.-5+20C>T on transcript NM_002635.4 (MANE Select); 20 bases into the intron after 5 bases upstream of the start codon, C replaced by T.
Molecular consequence: intron variant. On other transcripts: 5 prime UTR variant (1).
Genome position (GRCh38, 1-based): chr12:98,593,760, C>T. VCF-style: chr12-98593760-C-T. GRCh37 (hg19) VCF-style: chr12-98987538-C-T.
Other names: c.-219C>T (NM_213611.3); c.-5+20C>T (NM_005888.4).
Identifiers: ClinVar variation 512409 (VCV000512409.1), dbSNP rs1177909067, ClinGen allele CA658797942.
Genomic context (GRCh38, chr12:98,593,760, plus strand): 5'-ACCTTTCCAAGGGAGTGGTTGTGTGATCGCCATCTTAGGGAGTGAGTGTGGCCGGGCCTT[C>T]TCCTGTGGCGGGTGTGGGGAGCGGAGCCCAGAGCTCCTGTGGGGCCGCTGCTTTGGCGGT-3'

ClinVar aggregate classification (germline): Likely benign (1 of 4 stars; one submission).

Allele frequency attached by ClinVar (database versions not stated): gnomAD 0.00001; TOPMed 0.00002; 1000 Genomes Project 30x 0.00016.
gnomAD v4.1: 4 of 612,040 alleles (0.00065%); highest among the groups gnomAD compares: African/African-American, 0.0074%; no homozygotes.

Submission:

GeneDx
Classification: Likely benign. Last evaluated: 2017-10-13. Review status: criteria provided, single submitter. Criteria: GeneDx Variant Classification (06012015). Collection method: clinical testing. Allele origin: germline. Affected: yes.
Comment: This variant is considered likely benign or benign based on one or more of the following criteria: it is a conservative change, it occurs at a poorly conserved position in the protein, it is predicted to be benign by multiple in silico algorithms, and/or has population frequency not consistent with disease.